The following is an entry in ClinVar:

NM_004329.3(BMPR1A):c.409A>C (p.Thr137Pro)

Gene: BMPR1A (bone morphogenetic protein receptor type 1A; plus strand). Cytogenetic location: 10q23.2.
Variant type: single nucleotide variant.
Coding change: c.409A>C on transcript NM_004329.3 (MANE Select); coding-DNA position 409, A replaced by C.
Protein change: p.Thr137Pro; replaces threonine 137 with proline.
Molecular consequence: missense variant.
Genome position (GRCh38, 1-based): chr10:86,899,869, A>C. VCF-style: chr10-86899869-A-C. GRCh37 (hg19) VCF-style: chr10-88659626-A-C.
Other names: short protein forms T137P.
Identifiers: ClinVar variation 955921 (VCV000955921.14), dbSNP rs1589768079, ClinGen allele CA377449802.
Genomic context (GRCh38, chr10:86,899,869, plus strand): 5'-CAGCTACGCCGGACAATAGAATGTTGTCGGACCAATTTATGTAACCAGTATTTGCAACCC[A>C]CACTGCCCCCTGTTGTCATAGGTAGGTTAGCCGAGAAAAGTCGGAGCATGCTTCTCAAAT-3'
Protein context (NP_004320.2, residues 127-147): TNLCNQYLQP[Thr137Pro]LPPVVIGPFF

ClinVar aggregate classification (germline): Uncertain significance. Review status: criteria provided, multiple submitters, no conflicts (2 of 4 stars). 3 submissions from 3 submitters: Uncertain significance (3). Last evaluated 2024-12-23.

Conditions:
Hereditary cancer-predisposing syndrome. Also called: Hereditary neoplastic syndrome; Tumor predisposition; Neoplastic Syndromes, Hereditary; Hereditary Cancer Syndrome. Identifiers: Orphanet 140162, MedGen C0027672, MeSH D009386, MONDO:0015356.
Juvenile polyposis syndrome (JPS). Identifiers: Orphanet 2929, MedGen C0345893, MONDO:0017380, OMIM 174900.

Submissions (3):

GeneDx
Classification: Uncertain significance. Last evaluated: 2024-12-23. Review status: criteria provided, single submitter. Criteria: GeneDx Variant Classification Process June 2021. Collection method: clinical testing. Allele origin: germline. Affected: yes.
Comment: Not observed at significant frequency in large population cohorts (gnomAD); In silico analysis indicates that this missense variant does not alter protein structure/function; Has not been previously published as pathogenic or benign to our knowledge

Ambry Genetics
Classification: Uncertain significance for Hereditary cancer-predisposing syndrome. Last evaluated: 2024-12-04. Review status: criteria provided, single submitter. Criteria: Ambry Variant Classification Scheme 2023. Collection method: clinical testing. Allele origin: germline.
Comment: The p.T137P variant (also known as c.409A>C), located in coding exon 4 of the BMPR1A gene, results from an A to C substitution at nucleotide position 409. The threonine at codon 137 is replaced by proline, an amino acid with highly similar properties. This amino acid position is highly conserved in available vertebrate species. In addition, this alteration is predicted to be deleterious by in silico analysis. Based on the available evidence, the clinical significance of this variant remains unclear.

Labcorp Genetics (formerly Invitae), Labcorp
Classification: Uncertain significance for Juvenile polyposis syndrome. Last evaluated: 2024-04-05. Review status: criteria provided, single submitter. Criteria: Invitae Variant Classification Sherloc (09022015). Collection method: clinical testing. Allele origin: germline.
Comment: This sequence change replaces threonine, which is neutral and polar, with proline, which is neutral and non-polar, at codon 137 of the BMPR1A protein (p.Thr137Pro). This variant is not present in population databases (gnomAD no frequency). This variant has not been reported in the literature in individuals affected with BMPR1A-related conditions. ClinVar contains an entry for this variant (Variation ID: 955921). Advanced modeling of protein sequence and biophysical properties (such as structural, functional, and spatial information, amino acid conservation, physicochemical variation, residue mobility, and thermodynamic stability) performed at Invitae indicates that this missense variant is not expected to disrupt BMPR1A protein function with a negative predictive value of 80%. In summary, the available evidence is currently insufficient to determine the role of this variant in disease. Therefore, it has been classified as a Variant of Uncertain Significance.